The following is an entry in ClinVar:

NM_032444.4(SLX4):c.749T>C (p.Met250Thr)

Gene: SLX4 (SLX4 structure-specific endonuclease subunit; minus strand). Cytogenetic location: 16p13.3.
Variant type: single nucleotide variant.
Coding change: c.749T>C on transcript NM_032444.4 (MANE Select); coding-DNA position 749, T replaced by C.
Protein change: p.Met250Thr; replaces methionine 250 with threonine.
Molecular consequence: missense variant.
Genome position (GRCh38, 1-based): chr16:3,606,485, A>G on the plus strand (T>C on the coding strand, the complement: SLX4 is on the minus strand). VCF-style: chr16-3606485-A-G. GRCh37 (hg19) VCF-style: chr16-3656486-A-G.
Other names: short protein forms M250T.
Identifiers: ClinVar variation 2082447 (VCV002082447.4), dbSNP rs950041115, ClinGen allele CA276970033.

ClinVar aggregate classification (germline): Uncertain significance (1 of 4 stars; one submission).

Conditions:
Fanconi anemia (FA). Also called: Fanconi's anemia. Identifiers: Orphanet 84, MedGen C0015625, MeSH D005199, MONDO:0019391.

Allele frequency attached by ClinVar (database versions not stated): gnomAD exomes below 0.00001.
gnomAD v4.1: 1 of 1,614,204 alleles (0.000062%); highest among the groups gnomAD compares: Non-Finnish European, 0.000085%; no homozygotes.

Submission:

Labcorp Genetics (formerly Invitae), Labcorp
Classification: Uncertain significance for Fanconi anemia. Last evaluated: 2022-09-10. Review status: criteria provided, single submitter. Criteria: Invitae Variant Classification Sherloc (09022015). Collection method: clinical testing. Allele origin: germline.
Comment: In summary, the available evidence is currently insufficient to determine the role of this variant in disease. Therefore, it has been classified as a Variant of Uncertain Significance. Algorithms developed to predict the effect of missense changes on protein structure and function output the following: SIFT: "Tolerated"; PolyPhen-2: "Benign"; Align-GVGD: "Class C0". The threonine amino acid residue is found in multiple mammalian species, which suggests that this missense change does not adversely affect protein function. This variant has not been reported in the literature in individuals affected with SLX4-related conditions. This variant is present in population databases (no rsID available, gnomAD 0.004%). This sequence change replaces methionine, which is neutral and non-polar, with threonine, which is neutral and polar, at codon 250 of the SLX4 protein (p.Met250Thr).